The following is an entry in ClinVar:

GRCh38/hg38 1q43(chr1:240553438-242475553)x3

Genes: BECN2 (beclin 2; plus strand), CHML (CHM like Rab escort protein; minus strand), EXO1 (exonuclease 1; plus strand), FH (fumarate hydratase; minus strand), GREM2 (gremlin 2, DAN family BMP antagonist; minus strand) and 26 more. Cytogenetic location: 1q43.
Variant type: copy number gain.
Change: copy number 3 (three copies instead of two) of chr1:240,553,438-242,475,553 (1.92 Mb, GRCh38 coordinates, 1-based), cytogenetic band 1q43.
Identifiers: ClinVar variation 57848 (VCV000057848.1).

ClinVar aggregate classification (germline): Uncertain significance (1 of 4 stars; one submission).

Submission:

ISCA site 14
Classification: Uncertain significance. Last evaluated: 2011-08-12. Review status: criteria provided, single submitter. Criteria: Kaminsky et al. (Genet Med. 2011). Collection method: clinical testing. Allele origin: unknown. Affected: yes. Observed: 1 variant allele.
Comment: Copy number variation identified through the course of routine clinical cytogenomic testing in postnatal populations. Clinical assertions have been curated as described in Kaminsky et al. 2011.